The following is an entry in ClinVar:

NM_175875.5(SIX5):c.237A>T (p.Glu79Asp)

Genes: DM1-AS (DM1 locus antisense RNA; plus strand), SIX5 (SIX homeobox 5; minus strand), LOC107075317 (origin of replication in DMPK trinucleotide repeat region; plus strand), LOC129929037 (ATAC-STARR-seq lymphoblastoid silent region 10794; plus strand). Cytogenetic location: 19q13.32.
Variant type: single nucleotide variant.
Coding change: c.237A>T on transcript NM_175875.5 (MANE Select); coding-DNA position 237, A replaced by T.
Protein change: p.Glu79Asp; replaces glutamic acid 79 with aspartic acid.
Molecular consequence: missense variant.
Genome position (GRCh38, 1-based): chr19:45,768,608, T>A on the plus strand (A>T on the coding strand, the complement: SIX5 is on the minus strand). VCF-style: chr19-45768608-T-A. GRCh37 (hg19) VCF-style: chr19-46271866-T-A.
Other names: short protein forms E79D.
Identifiers: ClinVar variation 2630538 (VCV002630538.2), dbSNP rs1360502644, ClinGen allele CA406424251.

ClinVar aggregate classification (germline): Uncertain significance. Review status: criteria provided, multiple submitters, no conflicts (2 of 4 stars). 2 submissions from 2 submitters: Uncertain significance (2). Last evaluated 2025-08-26.

Conditions:
SIX5-related disorder. Also called: SIX5-related condition.

Allele frequency attached by ClinVar (database versions not stated): gnomAD 0.00001; gnomAD exomes 0.00006.
gnomAD v4.1: 62 of 1,293,566 alleles (0.0048%); highest among the groups gnomAD compares: Non-Finnish European, 0.006%; no homozygotes.

Submissions (2):

Ambry Genetics
Classification: Uncertain significance. Last evaluated: 2025-08-26. Review status: criteria provided, single submitter. Criteria: Ambry Variant Classification Scheme 2023. Collection method: clinical testing. Allele origin: germline.

PreventionGenetics, part of Exact Sciences
Classification: Uncertain significance for SIX5-related condition. Last evaluated: 2022-11-02. Review status: criteria provided, single submitter. Criteria: ACMG Guidelines, 2015. Collection method: clinical testing. Allele origin: germline.
Comment: The SIX5 c.237A>T variant is predicted to result in the amino acid substitution p.Glu79Asp. To our knowledge, this variant has not been reported in the literature. This variant is reported in 0.0066% of alleles in individuals of European (Non-Finnish) descent in gnomAD. At this time, the clinical significance of this variant is uncertain due to the absence of conclusive functional and genetic evidence.